The following is an entry in ClinVar:

NM_000535.7(PMS2):c.824A>T (p.Gln275Leu)

Gene: PMS2 (PMS1 homolog 2, mismatch repair system component; minus strand). Cytogenetic location: 7p22.1.
Variant type: single nucleotide variant.
Coding change: c.824A>T on transcript NM_000535.7 (MANE Select); coding-DNA position 824, A replaced by T.
Protein change: p.Gln275Leu; replaces glutamine 275 with leucine.
Molecular consequence: missense variant. On other transcripts: 5 prime UTR variant (2), non-coding transcript variant (1), intron variant (4).
Genome position (GRCh38, 1-based): chr7:5,995,613, T>A on the plus strand (A>T on the coding strand, the complement: PMS2 is on the minus strand). VCF-style: chr7-5995613-T-A. GRCh37 (hg19) VCF-style: chr7-6035244-T-A.
Other names: c.419A>T, p.Gln140Leu (NM_001018040.1, NM_001322003.2, NM_001322004.2 and 20 more transcripts); c.824A>T, p.Gln275Leu (NM_001322006.2, NM_001322014.2, NM_001406870.1 and 2 more transcripts); c.506A>T, p.Gln169Leu (NM_001322007.2, NM_001322008.2, NM_001406876.1 and 4 more transcripts); c.-110A>T (NM_001322011.2, NM_001322012.2); c.251A>T, p.Gln84Leu (NM_001322013.2, NM_001406909.1); c.515A>T, p.Gln172Leu (NM_001322015.2, NM_001406875.1, NM_001406877.1 and 6 more transcripts); c.1010A>T, p.Gln337Leu (NM_001406866.1); c.848A>T, p.Gln283Leu (NM_001406868.1); and 8 more; short protein forms Q104L, Q140L, Q163L, Q169L, Q172L, Q219L, Q239L, Q275L.
Identifiers: ClinVar variation 3070140 (VCV003070140.1), dbSNP rs546966892, ClinGen allele CA366743544.

ClinVar aggregate classification (germline): Uncertain significance (1 of 4 stars; one submission).

Conditions:
Lynch syndrome. Identifiers: Orphanet 144, MedGen C4552100, MONDO:0005835. Disease mechanism: loss of function.

Submission:

All of Us Research Program, National Institutes of Health
Classification: Uncertain significance for Lynch syndrome. Last evaluated: 2023-04-03. Review status: criteria provided, single submitter. Criteria: ACMG Guidelines, 2015. Collection method: clinical testing. Allele origin: germline. Inheritance: Autosomal dominant inheritance. Observed: 1 variant allele, 1 heterozygote.
Comment: This missense variant replaces glutamine with leucine at codon 275 of the PMS2 protein. Computational prediction suggests that this variant may not impact protein structure and function (internally defined REVEL score threshold <= 0.5, PMID: 27666373). To our knowledge, functional studies have not been reported for this variant. This variant has not been reported in individuals affected with PMS2-related disorders in the literature. This variant has not been identified in the general population by the Genome Aggregation Database (gnomAD). The available evidence is insufficient to determine the role of this variant in disease conclusively. Therefore, this variant is classified as a Variant of Uncertain Significance.

This study involves interpretation of variants in research participants for the purpose of population health screening. Participant phenotype was not available at the time of variant classification. Additional details can be found in publication PMID: 35346344, PMCID: PMC8962531